The following is an entry in ClinVar:

NM_002439.5(MSH3):c.1344_1345delinsAA (p.Gln449Lys)

Gene: MSH3 (mutS homolog 3; plus strand). Cytogenetic location: 5q14.1.
Variant type: Indel.
Coding change: c.1344_1345delinsAA on transcript NM_002439.5 (MANE Select); coding-DNA positions 1344 to 1345, GC replaced by AA.
Protein change: p.Gln449Lys; replaces glutamine 449 with lysine.
Molecular consequence: missense variant.
Genome position (GRCh38, 1-based): chr5:80,725,456-80,725,457, GC replaced by AA. VCF-style: chr5-80725456-GC-AA. GRCh37 (hg19) VCF-style: chr5-80021275-GC-AA.
Other names: short protein forms Q449K.
Identifiers: ClinVar variation 1015813 (VCV001015813.7), dbSNP rs1743268671, ClinGen allele CA1558491994.

ClinVar aggregate classification (germline): Uncertain significance (1 of 4 stars; one submission).

Submission:

Labcorp Genetics (formerly Invitae), Labcorp
Classification: Uncertain significance. Last evaluated: 2020-06-04. Review status: criteria provided, single submitter. Criteria: Invitae Variant Classification Sherloc (09022015). Collection method: clinical testing. Allele origin: germline.
Comment: This sequence change replaces glutamine with lysine at codon 449 of the MSH3 protein (p.Gln449Lys). The glutamine residue is weakly conserved and there is a small physicochemical difference between glutamine and lysine. This variant is not present in population databases (ExAC no frequency). This variant has not been reported in the literature in individuals with MSH3-related conditions. Experimental studies and prediction algorithms are not available or were not evaluated, and the functional significance of this variant is currently unknown. In summary, the available evidence is currently insufficient to determine the role of this variant in disease. Therefore, it has been classified as a Variant of Uncertain Significance.